The following is an entry in ClinVar:

NM_002691.4(POLD1):c.2706G>T (p.Glu902Asp)

Gene: POLD1 (DNA polymerase delta 1, catalytic subunit; plus strand). Cytogenetic location: 19q13.33.
Variant type: single nucleotide variant.
Coding change: c.2706G>T on transcript NM_002691.4 (MANE Select); coding-DNA position 2706, G replaced by T.
Protein change: p.Glu902Asp; replaces glutamic acid 902 with aspartic acid.
Molecular consequence: missense variant. On other transcripts: non-coding transcript variant (1).
Genome position (GRCh38, 1-based): chr19:50,415,579, G>T. VCF-style: chr19-50415579-G-T. GRCh37 (hg19) VCF-style: chr19-50918836-G-T.
Other names: c.2706G>T, p.Glu902Asp (NM_001256849.1); c.2784G>T, p.Glu928Asp (NM_001308632.1); short protein forms E928D, E902D.
Identifiers: ClinVar variation 1794989 (VCV001794989.2), dbSNP rs1060504358, ClinGen allele CA406985712.

ClinVar aggregate classification (germline): Uncertain significance (1 of 4 stars; one submission).

Conditions:
Hereditary cancer-predisposing syndrome. Also called: Tumor predisposition; Hereditary Cancer Syndrome; Neoplastic Syndromes, Hereditary; Hereditary neoplastic syndrome. Identifiers: Orphanet 140162, MedGen C0027672, MeSH D009386, MONDO:0015356.

Allele frequency attached by ClinVar (database versions not stated): gnomAD exomes below 0.00001.
gnomAD v4.1: 1 of 1,611,602 alleles (0.000062%); highest among the groups gnomAD compares: African/African-American, 0.0013%; no homozygotes.

Submission:

Ambry Genetics
Classification: Uncertain significance for Hereditary cancer-predisposing syndrome. Last evaluated: 2021-09-16. Review status: criteria provided, single submitter. Criteria: Ambry Variant Classification Scheme 2023. Collection method: clinical testing. Allele origin: germline.
Comment: The p.E902D variant (also known as c.2706G>T), located in coding exon 20 of the POLD1 gene, results from a G to T substitution at nucleotide position 2706. The glutamic acid at codon 902 is replaced by aspartic acid, an amino acid with highly similar properties. This amino acid position is conserved. In addition, this alteration is predicted to be tolerated by in silico analysis. Since supporting evidence is limited at this time, the clinical significance of this alteration remains unclear.